The following is an entry in ClinVar:

NM_000059.4(BRCA2):c.8497A>T (p.Lys2833Ter)

Gene: BRCA2 (BRCA2 DNA repair associated; plus strand). Cytogenetic location: 13q13.1.
Variant type: single nucleotide variant.
Coding change: c.8497A>T on transcript NM_000059.4 (MANE Select); coding-DNA position 8497, A replaced by T.
Protein change: p.Lys2833Ter; replaces lysine 2833 with a stop codon.
Molecular consequence: nonsense.
Genome position (GRCh38, 1-based): chr13:32,370,965, A>T. VCF-style: chr13-32370965-A-T. GRCh37 (hg19) VCF-style: chr13-32945102-A-T.
Other names: short protein forms K2833*.
Identifiers: ClinVar variation 441354 (VCV000441354.11), dbSNP rs1555287732, ClinGen allele CA387752678.
Genomic context (GRCh38, chr13:32,370,965, plus strand): 5'-CTTGAATGTTATATATGTGACTTTTTTGGTGTGTGTAACACATTATTACAGTGGATGGAG[A>T]AGACATCATCTGGATTATACATATTTCGCAATGAAAGAGAGGAAGAAAAGGAAGCAGCAA-3'

ClinVar aggregate classification (germline): Pathogenic. Review status: reviewed by expert panel (3 of 4 stars). 3 submissions from 3 submitters: Pathogenic (1). 2 of the submissions do not count toward it. Last evaluated 2017-12-15.

Conditions:
Breast-ovarian cancer, familial, susceptibility to, 2 (BROVCA2). Also called: BRCA2 Hereditary Breast and Ovarian Cancer. Identifiers: Orphanet 145, MedGen C2675520, MONDO:0012933, OMIM 612555. Disease mechanism: loss of function.
Hereditary cancer-predisposing syndrome. Also called: Hereditary Cancer Syndrome; Hereditary neoplastic syndrome; Tumor predisposition; Neoplastic Syndromes, Hereditary. Identifiers: Orphanet 140162, MedGen C0027672, MeSH D009386, MONDO:0015356.
Hereditary breast ovarian cancer syndrome. Also called: Hereditary breast and ovarian cancer syndrome; BRCA1- and BRCA2-Associated Hereditary Breast and Ovarian Cancer; Hereditary breast and ovarian cancer syndrome (HBOC); Hereditary breast and/or ovarian cancer syndrome; Hereditary breast and ovarian cancer; Breast and ovarian cancer. Identifiers: Orphanet 145, MedGen C0677776, MeSH D061325, MONDO:0003582. Disease mechanism: loss of function.

Submissions (3):

Evidence-based Network for the Interpretation of Germline Mutant Alleles (ENIGMA)
Classification: Pathogenic for Breast-ovarian cancer, familial, susceptibility to, 2. Last evaluated: 2017-12-15. Review status: reviewed by expert panel. Criteria: ENIGMA BRCA1/2 Classification Criteria (2017-06-29). Collection method: curation. Allele origin: germline. Study: ENIGMA.
Comment: Variant allele predicted to encode a truncated non-functional protein.

Labcorp Genetics (formerly Invitae), Labcorp
Classification: Pathogenic for Hereditary breast ovarian cancer syndrome. Last evaluated: 2023-07-29. Review status: criteria provided, single submitter. Criteria: Invitae Variant Classification Sherloc (09022015). Collection method: clinical testing. Allele origin: germline. Not counted in ClinVar's aggregate classification.
Comment: This sequence change creates a premature translational stop signal (p.Lys2833*) in the BRCA2 gene. It is expected to result in an absent or disrupted protein product. Loss-of-function variants in BRCA2 are known to be pathogenic (PMID: 20104584). This variant is not present in population databases (gnomAD no frequency). This variant has not been reported in the literature in individuals affected with BRCA2-related conditions. ClinVar contains an entry for this variant (Variation ID: 441354). For these reasons, this variant has been classified as Pathogenic.

Ambry Genetics
Classification: Pathogenic for Hereditary cancer-predisposing syndrome. Last evaluated: 2016-08-08. Review status: criteria provided, single submitter. Criteria: Ambry Variant Classification Scheme 2023. Collection method: clinical testing. Allele origin: germline. Not counted in ClinVar's aggregate classification.
Comment: The p.K2833* pathogenic mutation (also known as c.8497A>T), located in coding exon 19 of the BRCA2 gene, results from an A to T substitution at nucleotide position 8497. This changes the amino acid from a lysine to a stop codon within coding exon 19. This alteration is expected to result in loss of function by premature protein truncation or nonsense-mediated mRNA decay. As such, this alteration is interpreted as a disease-causing mutation.

Literature cited by the submitters: PubMed 20104584 (cited by Labcorp Genetics (formerly Invitae), Labcorp).